The following is an entry in ClinVar:

ClinVar aggregate classification (germline): Uncertain significance (1 of 4 stars; one submission).

Conditions:
Hereditary diffuse gastric adenocarcinoma (HDGC). Also called: DIFFUSE GASTRIC AND LOBULAR BREAST CANCER SYNDROME. Identifiers: Orphanet 26106, MedGen C1708349, MONDO:0007648, OMIM 137215.

Submission:

Labcorp Genetics (formerly Invitae), Labcorp
Classification: Uncertain significance for Hereditary diffuse gastric adenocarcinoma. Last evaluated: 2022-09-01. Review status: criteria provided, single submitter. Criteria: Invitae Variant Classification Sherloc (09022015). Collection method: clinical testing. Allele origin: germline.
Comment: In summary, the available evidence is currently insufficient to determine the role of this variant in disease. Therefore, it has been classified as a Variant of Uncertain Significance. Algorithms developed to predict the effect of missense changes on protein structure and function (SIFT, PolyPhen-2, Align-GVGD) all suggest that this variant is likely to be disruptive. This variant has not been reported in the literature in individuals affected with CDH1-related conditions. This variant is not present in population databases (gnomAD no frequency). This sequence change replaces cysteine, which is neutral and slightly polar, with arginine, which is basic and polar, at codon 686 of the CDH1 protein (p.Cys686Arg).

NM_004360.5(CDH1):c.2056T>C (p.Cys686Arg)

Gene: CDH1 (cadherin 1; plus strand). Cytogenetic location: 16q22.1.
Variant type: single nucleotide variant.
Coding change: c.2056T>C on transcript NM_004360.5 (MANE Select); coding-DNA position 2056, T replaced by C.
Protein change: p.Cys686Arg; replaces cysteine 686 with arginine.
Molecular consequence: missense variant.
Genome position (GRCh38, 1-based): chr16:68,823,518, T>C. VCF-style: chr16-68823518-T-C. GRCh37 (hg19) VCF-style: chr16-68857421-T-C.
Other names: c.1873T>C, p.Cys625Arg (NM_001317184.2); c.508T>C, p.Cys170Arg (NM_001317185.2); c.91T>C, p.Cys31Arg (NM_001317186.2); short protein forms C170R, C31R, C625R, C686R.
Identifiers: ClinVar variation 1718626 (VCV001718626.6), dbSNP rs1555517113, ClinGen allele CA396467759.
Genomic context (GRCh38, chr16:68,823,518, plus strand): 5'-AATCTCAAGCTCATGGATAACCAGAATAAAGACCAAGTGACCACCTTAGAGGTCAGCGTG[T>C]GTGACTGTGAAGGGGCCGCTGGCGTCTGTAGGAAGGCACAGCCTGTCGAAGCAGGATTGC-3'
Protein context (NP_004351.1, residues 676-696): DQVTTLEVSV[Cys686Arg]DCEGAAGVCR